The following is an entry in ClinVar:

ClinVar aggregate classification (germline): Uncertain significance. Review status: criteria provided, multiple submitters, no conflicts (2 of 4 stars). 2 submissions from 2 submitters: Uncertain significance (2). Last evaluated 2025-12-21.

Conditions:
Cardiovascular phenotype. Identifiers: MedGen CN230736.
RASopathy. Also called: rasopathies; Noonan spectrum disorder. Identifiers: Orphanet 536391, MedGen C5555857, MONDO:0021060.

gnomAD v4.1: 15 of 1,551,132 alleles (0.00097%); highest among the groups gnomAD compares: South Asian, 0.0036%; no homozygotes.

Submissions (2):

Labcorp Genetics (formerly Invitae), Labcorp
Classification: Uncertain significance for RASopathy. Last evaluated: 2025-12-21. Review status: criteria provided, single submitter. Criteria: Invitae Variant Classification Sherloc (09022015). Collection method: clinical testing. Allele origin: germline.
Comment: This sequence change replaces aspartic acid, which is acidic and polar, with asparagine, which is neutral and polar, at codon 341 of the MAP2K2 protein (p.Asp341Asn). This variant is not present in population databases (gnomAD no frequency). This variant has not been reported in the literature in individuals affected with MAP2K2-related conditions. ClinVar contains an entry for this variant (Variation ID: 1407871). Invitae Evidence Modeling of protein sequence and biophysical properties (such as structural, functional, and spatial information, amino acid conservation, physicochemical variation, residue mobility, and thermodynamic stability) indicates that this missense variant is not expected to disrupt MAP2K2 protein function with a negative predictive value of 95%. In summary, the available evidence is currently insufficient to determine the role of this variant in disease. Therefore, it has been classified as a Variant of Uncertain Significance.

Ambry Genetics
Classification: Uncertain significance for Cardiovascular phenotype. Last evaluated: 2022-07-11. Review status: criteria provided, single submitter. Criteria: Ambry Variant Classification Scheme 2023. Collection method: clinical testing. Allele origin: germline.
Comment: The p.D341N variant (also known as c.1021G>A), located in coding exon 9 of the MAP2K2 gene, results from a G to A substitution at nucleotide position 1021. The aspartic acid at codon 341 is replaced by asparagine, an amino acid with highly similar properties. This amino acid position is conserved. In addition, this alteration is predicted to be tolerated by in silico analysis. Since supporting evidence is limited at this time, the clinical significance of this alteration remains unclear.

NM_030662.4(MAP2K2):c.1021G>A (p.Asp341Asn)

Gene: MAP2K2 (mitogen-activated protein kinase kinase 2; minus strand). Cytogenetic location: 19p13.3.
Variant type: single nucleotide variant.
Coding change: c.1021G>A on transcript NM_030662.4 (MANE Select); coding-DNA position 1021, G replaced by A.
Protein change: p.Asp341Asn; replaces aspartic acid 341 with asparagine.
Molecular consequence: missense variant.
Genome position (GRCh38, 1-based): chr19:4,095,413, C>T on the plus strand (G>A on the coding strand, the complement: MAP2K2 is on the minus strand). VCF-style: chr19-4095413-C-T. GRCh37 (hg19) VCF-style: chr19-4095411-C-T.
Other names: short protein forms D341N.
Identifiers: ClinVar variation 1407871 (VCV001407871.8), dbSNP rs564067943, ClinGen allele CA304447542.